The following is an entry in ClinVar:

ClinVar aggregate classification (germline): Likely pathogenic (1 of 4 stars; one submission).

Conditions:
Polycystic kidney disease 9, susceptibility to. Identifiers: MedGen C6012712, MONDO:0976267, OMIM 621164.

Submission:

MVZ Medizinische Genetik Mainz
Classification: Likely pathogenic for Polycystic kidney disease 9, susceptibility to. Last evaluated: 2025-11-04. Review status: criteria provided, single submitter. Criteria: UK Practice Guidelines For Variant Classification V4 01 2020. Collection method: clinical testing. Allele origin: germline. Inheritance: Autosomal dominant inheritance. Affected: yes. Observed: 1 variant allele.
Comment: ACMG Criteria: PVS1,PM2_SUP

NM_014714.4(IFT140):c.2070_2119del (p.Asp691fs)

Gene: IFT140 (intraflagellar transport 140; minus strand). Cytogenetic location: 16p13.3.
Variant type: Deletion.
Coding change: c.2070_2119del on transcript NM_014714.4 (MANE Select); coding-DNA positions 2070 to 2119, 50 bases deleted.
Protein change: p.Asp691fs; shifts the reading frame from aspartic acid 691.
Molecular consequence: frameshift variant.
Genome position (GRCh38, 1-based): chr16:1,562,065-1,562,114, 50 bases deleted; deleting any 50 consecutive bases within chr16:1,562,065-1,562,116 gives the same sequence; the c. name uses the placement nearest the transcript's 3' end. GRCh37 (hg19): chr16:1,612,068-1,612,117.
Other names: short protein forms D691fs.
Identifiers: ClinVar variation 5038126 (VCV005038126.1).